The following is an entry in ClinVar:

ClinVar aggregate classification (germline): Uncertain significance (1 of 4 stars; one submission).

Conditions:
Familial juvenile hyperuricemic nephropathy type 1 (ADTKD1). Also called: Autosomal Dominant Tubulointerstitial Kidney Disease – UMOD; Glomerulocystic kidney disease with hyperuricemia and isosthenuria; Medullary cystic kidney disease 2; UMOD-Associated Kidney Disease; Uromodulin-associated kidney disease. Identifiers: Orphanet 209886, Orphanet 34149, Orphanet 88950, MedGen C4551496, MONDO:0008073, OMIM 162000.

Submission:

MVZ Medizinische Genetik Mainz
Classification: Uncertain significance for Familial juvenile hyperuricemic nephropathy type 1. Last evaluated: 2026-06-16. Review status: criteria provided, single submitter. Criteria: UK Practice Guidelines For Variant Classification V4 01 2020. Collection method: clinical testing. Allele origin: germline. Inheritance: Autosomal dominant inheritance. Affected: yes. Observed: 1 variant allele.
Comment: ACMG Criteria: PP3_MOD,PM2_SUP

NM_003361.4(UMOD):c.795G>T (p.Lys265Asn)

Gene: UMOD (uromodulin; minus strand). Cytogenetic location: 16p12.3.
Variant type: single nucleotide variant.
Coding change: c.795G>T on transcript NM_003361.4 (MANE Select); coding-DNA position 795, G replaced by T.
Protein change: p.Lys265Asn; replaces lysine 265 with asparagine.
Molecular consequence: missense variant. On other transcripts: non-coding transcript variant (1).
Genome position (GRCh38, 1-based): chr16:20,348,506, C>A on the plus strand (G>T on the coding strand, the complement: UMOD is on the minus strand). VCF-style: chr16-20348506-C-A. GRCh37 (hg19) VCF-style: chr16-20359828-C-A.
Other names: c.795G>T, p.Lys265Asn (NM_001008389.3, NM_001378232.1, NM_001378233.1 and 3 more transcripts); c.894G>T, p.Lys298Asn (NM_001278614.2); short protein forms K265N, K298N.
Identifiers: ClinVar variation 4879870 (VCV004879870.1).